The following is an entry in ClinVar:

ClinVar aggregate classification (germline): Pathogenic (1 of 4 stars; one submission).

Conditions:
Bardet-Biedl syndrome (BBS). Identifiers: Orphanet 110, MedGen C0752166, MONDO:0015229.

Submission:

Labcorp Genetics (formerly Invitae), Labcorp
Classification: Pathogenic for Bardet-Biedl syndrome. Last evaluated: 2022-12-31. Review status: criteria provided, single submitter. Criteria: Invitae Variant Classification Sherloc (09022015). Collection method: clinical testing. Allele origin: germline.
Comment: For these reasons, this variant has been classified as Pathogenic. This variant disrupts a region of the BBS10 protein in which other variant(s) (p.Val707*) have been determined to be pathogenic (PMID: 20472660, 22773737, 25982971, 27486776). This suggests that this is a clinically significant region of the protein, and that variants that disrupt it are likely to be disease-causing. This variant has not been reported in the literature in individuals affected with BBS10-related conditions. This variant is not present in population databases (gnomAD no frequency). This sequence change creates a premature translational stop signal (p.Gly52Argfs*44) in the BBS10 gene. While this is not anticipated to result in nonsense mediated decay, it is expected to disrupt the last 672 amino acid(s) of the BBS10 protein.

Literature cited by the submitters: PubMed 20472660; PubMed 22773737; PubMed 25982971; PubMed 27486776.

NM_024685.4(BBS10):c.152dup (p.Gly52fs)

Gene: BBS10 (Bardet-Biedl syndrome 10; minus strand). Cytogenetic location: 12q21.2.
Variant type: Duplication.
Coding change: c.152dup on transcript NM_024685.4 (MANE Select); coding-DNA position 152, one base duplicated (G; older notation c.152dupG).
Protein change: p.Gly52fs; shifts the reading frame from glycine 52.
Molecular consequence: frameshift variant.
Genome position (GRCh38, 1-based): chr12:76,348,207, C duplicated on the plus strand (G on the coding strand, the reverse complement: BBS10 is on the minus strand); the first of 2 consecutive C bases (chr12:76,348,207-76,348,208); duplicating either gives the same sequence. VCF-style (leftmost placement, unchanged base first): chr12-76348206-T-TC. GRCh37 (hg19) VCF-style: chr12-76741986-T-TC.
Other names: short protein forms G52fs.
Identifiers: ClinVar variation 2825351 (VCV002825351.3), dbSNP rs2540957758, ClinGen allele CA2739272192.